The following is an entry in ClinVar:

ClinVar aggregate classification (germline): Uncertain significance. Review status: criteria provided, multiple submitters, no conflicts (2 of 4 stars). 2 submissions from 2 submitters: Uncertain significance (2). Last evaluated 2026-04-23.

Allele frequency attached by ClinVar (database versions not stated): 1000 Genomes Project 30x 0.00031; gnomAD exomes 0.00003; gnomAD 0.00005; TOPMed 0.00005; ExAC 0.00007; 1000 Genomes Project 0.00020.
gnomAD v4.1: 44 of 1,614,232 alleles (0.0027%); highest among the groups gnomAD compares: East Asian, 0.094%; no homozygotes.

Submissions (2):

GeneDx
Classification: Uncertain significance. Last evaluated: 2026-04-23. Review status: criteria provided, single submitter. Criteria: GeneDx Variant Classification Process June 2021. Collection method: clinical testing. Allele origin: germline.
Comment: In silico analysis suggests that this missense variant does not alter protein structure/function; Has not been previously published as pathogenic or benign to our knowledge

Labcorp Genetics (formerly Invitae), Labcorp
Classification: Uncertain significance. Last evaluated: 2022-07-31. Review status: criteria provided, single submitter. Criteria: Invitae Variant Classification Sherloc (09022015). Collection method: clinical testing. Allele origin: germline.
Comment: This sequence change replaces phenylalanine, which is neutral and non-polar, with tyrosine, which is neutral and polar, at codon 832 of the LARS2 protein (p.Phe832Tyr). This variant is present in population databases (rs187335778, gnomAD 0.1%). This variant has not been reported in the literature in individuals affected with LARS2-related conditions. Algorithms developed to predict the effect of missense changes on protein structure and function (SIFT, PolyPhen-2, Align-GVGD) all suggest that this variant is likely to be tolerated. In summary, the available evidence is currently insufficient to determine the role of this variant in disease. Therefore, it has been classified as a Variant of Uncertain Significance.

NM_015340.4(LARS2):c.2495T>A (p.Phe832Tyr)

Gene: LARS2 (leucyl-tRNA synthetase 2, mitochondrial; plus strand). Cytogenetic location: 3p21.31.
Variant type: single nucleotide variant.
Coding change: c.2495T>A on transcript NM_015340.4 (MANE Select); coding-DNA position 2495, T replaced by A.
Protein change: p.Phe832Tyr; replaces phenylalanine 832 with tyrosine.
Molecular consequence: missense variant.
Genome position (GRCh38, 1-based): chr3:45,541,919, T>A. VCF-style: chr3-45541919-T-A. GRCh37 (hg19) VCF-style: chr3-45583411-T-A.
Other names: c.2495T>A (NM_015340.3); c.2495T>A, p.Phe832Tyr (NM_001368263.1); short protein forms F832Y.
Identifiers: ClinVar variation 2152782 (VCV002152782.2), dbSNP rs187335778, ClinGen allele CA2349909.